The following is an entry in ClinVar:

NM_020458.4(TTC7A):c.413G>A (p.Arg138Gln)

Gene: TTC7A (tetratricopeptide repeat domain 7A; plus strand). Cytogenetic location: 2p21.
Variant type: single nucleotide variant.
Coding change: c.413G>A on transcript NM_020458.4 (MANE Select); coding-DNA position 413, G replaced by A.
Protein change: p.Arg138Gln; replaces arginine 138 with glutamine.
Molecular consequence: missense variant. On other transcripts: 5 prime UTR variant (1).
Genome position (GRCh38, 1-based): chr2:46,956,903, G>A. VCF-style: chr2-46956903-G-A. GRCh37 (hg19) VCF-style: chr2-47184042-G-A.
Other names: c.413G>A, p.Arg138Gln (NM_001288951.2); c.311G>A, p.Arg104Gln (NM_001288953.2); c.-492G>A (NM_001288955.2); c.413G>A (NM_020458.2); short protein forms R138Q, R104Q.
Identifiers: ClinVar variation 856358 (VCV000856358.6), dbSNP rs541501653, ClinGen allele CA1647150.

ClinVar aggregate classification (germline): Uncertain significance. Review status: criteria provided, multiple submitters, no conflicts (2 of 4 stars). 2 submissions from 2 submitters: Uncertain significance (2). Last evaluated 2024-07-10.

Conditions:
Multiple gastrointestinal atresias. Also called: Multiple intestinal atresia; FAMILIAL INTESTINAL POLYATRESIA SYNDROME. Identifiers: Orphanet 2300, MedGen C0220744, MONDO:0009465.
Inborn genetic diseases. Identifiers: MedGen C0950123, MeSH D030342.

Allele frequency attached by ClinVar (database versions not stated): TOPMed 0.00006.
gnomAD v4.1: 19 of 1,614,090 alleles (0.0012%); highest among the groups gnomAD compares: African/African-American, 0.013%; no homozygotes.

Submissions (2):

Ambry Genetics
Classification: Uncertain significance for Inborn genetic diseases. Last evaluated: 2024-07-10. Review status: criteria provided, single submitter. Criteria: Ambry Variant Classification Scheme 2023. Collection method: clinical testing. Allele origin: germline.

Labcorp Genetics (formerly Invitae), Labcorp
Classification: Uncertain significance for Multiple gastrointestinal atresias. Last evaluated: 2022-08-15. Review status: criteria provided, single submitter. Criteria: Invitae Variant Classification Sherloc (09022015). Collection method: clinical testing. Allele origin: germline.
Comment: This sequence change replaces arginine, which is basic and polar, with glutamine, which is neutral and polar, at codon 138 of the TTC7A protein (p.Arg138Gln). This variant is present in population databases (rs541501653, gnomAD 0.02%). This variant has not been reported in the literature in individuals affected with TTC7A-related conditions. ClinVar contains an entry for this variant (Variation ID: 856358). Algorithms developed to predict the effect of missense changes on protein structure and function are either unavailable or do not agree on the potential impact of this missense change (SIFT: "Deleterious"; PolyPhen-2: "Benign"; Align-GVGD: "Class C0"). In summary, the available evidence is currently insufficient to determine the role of this variant in disease. Therefore, it has been classified as a Variant of Uncertain Significance.